The following is an entry in ClinVar:

ClinVar aggregate classification (germline): Uncertain significance (1 of 4 stars; one submission).

gnomAD v4.1: 125 of 1,559,498 alleles (0.008%); highest among the groups gnomAD compares: Middle Eastern, 0.12%; 1 homozygote.

Submission:

Labcorp Genetics (formerly Invitae), Labcorp
Classification: Uncertain significance. Last evaluated: 2025-12-07. Review status: criteria provided, single submitter. Criteria: Invitae Variant Classification Sherloc (09022015). Collection method: clinical testing. Allele origin: germline.
Comment: This sequence change replaces alanine, which is neutral and non-polar, with threonine, which is neutral and polar, at codon 3 of the PCK2 protein (p.Ala3Thr). The frequency data for this variant in the population databases is considered unreliable, as metrics indicate poor data quality at this position in the gnomAD database. This variant has not been reported in the literature in individuals affected with PCK2-related conditions. An algorithm developed to predict the effect of missense changes on protein structure and function (PolyPhen-2) suggests that this variant is likely to be tolerated. In summary, the available evidence is currently insufficient to determine the role of this variant in disease. Therefore, it has been classified as a Variant of Uncertain Significance.

NM_004563.4(PCK2):c.7G>A (p.Ala3Thr)

Genes: NRL (neural retina leucine zipper; minus strand), PCK2 (phosphoenolpyruvate carboxykinase 2, mitochondrial; plus strand). Cytogenetic location: 14q11.2.
Variant type: single nucleotide variant.
Coding change: c.7G>A on transcript NM_004563.4 (MANE Select); coding-DNA position 7, G replaced by A.
Protein change: p.Ala3Thr; replaces alanine 3 with threonine.
Molecular consequence: missense variant. On other transcripts: 5 prime UTR variant (2), intron variant (4).
Genome position (GRCh38, 1-based): chr14:24,094,412, G>A. VCF-style: chr14-24094412-G-A. GRCh37 (hg19) VCF-style: chr14-24563621-G-A.
Other names: c.7G>A, p.Ala3Thr (NM_001018073.3); c.-230G>A (NM_001291556.2); c.-807G>A (NM_001308054.2); c.-27-11537C>T (NM_001354768.3, NM_001354770.2); c.-352+626C>T (NM_001354769.1); c.-253-9667C>T (NM_006177.5); short protein forms A3T.
Identifiers: ClinVar variation 4803927 (VCV004803927.1).